The following is an entry in ClinVar:

ClinVar aggregate classification (germline): Uncertain significance (1 of 4 stars; one submission).

Allele frequency attached by ClinVar (database versions not stated): gnomAD exomes below 0.00001; gnomAD 0.00001; TOPMed 0.00002.
gnomAD v4.1: 8 of 1,613,922 alleles (0.0005%); highest among the groups gnomAD compares: African/African-American, 0.0027%; no homozygotes.

Submission:

Labcorp Genetics (formerly Invitae), Labcorp
Classification: Uncertain significance. Last evaluated: 2024-10-15. Review status: criteria provided, single submitter. Criteria: Invitae Variant Classification Sherloc (09022015). Collection method: clinical testing. Allele origin: germline.
Comment: This sequence change replaces isoleucine, which is neutral and non-polar, with valine, which is neutral and non-polar, at codon 4003 of the DNAH9 protein (p.Ile4003Val). This variant is present in population databases (no rsID available, gnomAD 0.003%). This variant has not been reported in the literature in individuals affected with DNAH9-related conditions. ClinVar contains an entry for this variant (Variation ID: 1432081). Invitae Evidence Modeling of protein sequence and biophysical properties (such as structural, functional, and spatial information, amino acid conservation, physicochemical variation, residue mobility, and thermodynamic stability) indicates that this missense variant is not expected to disrupt DNAH9 protein function with a negative predictive value of 80%. In summary, the available evidence is currently insufficient to determine the role of this variant in disease. Therefore, it has been classified as a Variant of Uncertain Significance.

NM_001372.4(DNAH9):c.12007A>G (p.Ile4003Val)

Gene: DNAH9 (dynein axonemal heavy chain 9; plus strand). Cytogenetic location: 17p12.
Variant type: single nucleotide variant.
Coding change: c.12007A>G on transcript NM_001372.4 (MANE Select); coding-DNA position 12007, A replaced by G.
Protein change: p.Ile4003Val; replaces isoleucine 4003 with valine.
Molecular consequence: missense variant.
Genome position (GRCh38, 1-based): chr17:11,929,995, A>G. VCF-style: chr17-11929995-A-G. GRCh37 (hg19) VCF-style: chr17-11833312-A-G.
Other names: c.943A>G, p.Ile315Val (NM_004662.2); short protein forms I4003V, I315V.
Identifiers: ClinVar variation 1432081 (VCV001432081.7), dbSNP rs1362223760, ClinGen allele CA398211647.
Genomic context (GRCh38, chr17:11,929,995, plus strand): 5'-CACCCAGAGTTCAGGGTCTTCATGAGTGCAGAGCCAGCACCCTCCCCTGAGGGCCACATC[A>G]TCCCCCAGGGCATCCTGGAGAACTCCATTAAGATCACCAATGAGCCCCCCACGGGCATGC-3'
Protein context (NP_001363.2, residues 3993-4013): EPAPSPEGHI[Ile4003Val]PQGILENSIK